The following is an entry in ClinVar:

ClinVar aggregate classification (germline): Uncertain significance (1 of 4 stars; one submission).

Submission:

Labcorp Genetics (formerly Invitae), Labcorp
Classification: Uncertain significance. Last evaluated: 2023-04-23. Review status: criteria provided, single submitter. Criteria: Invitae Variant Classification Sherloc (09022015). Collection method: clinical testing. Allele origin: germline.
Comment: An algorithm developed to predict the effect of missense changes on protein structure and function (PolyPhen-2) suggests that this variant is likely to be disruptive. In summary, the available evidence is currently insufficient to determine the role of this variant in disease. Therefore, it has been classified as a Variant of Uncertain Significance. This variant has not been reported in the literature in individuals affected with ASRGL1-related conditions. This sequence change replaces isoleucine, which is neutral and non-polar, with lysine, which is basic and polar, at codon 98 of the ASRGL1 protein (p.Ile98Lys). This variant is not present in population databases (gnomAD no frequency).

NM_001083926.2(ASRGL1):c.293T>A (p.Ile98Lys)

Gene: ASRGL1 (asparaginase and isoaspartyl peptidase 1; plus strand). Cytogenetic location: 11q12.3.
Variant type: single nucleotide variant.
Coding change: c.293T>A on transcript NM_001083926.2 (MANE Select); coding-DNA position 293, T replaced by A.
Protein change: p.Ile98Lys; replaces isoleucine 98 with lysine.
Molecular consequence: missense variant.
Genome position (GRCh38, 1-based): chr11:62,356,427, T>A. VCF-style: chr11-62356427-T-A. GRCh37 (hg19) VCF-style: chr11-62123899-T-A.
Other names: c.293T>A, p.Ile98Lys (NM_025080.4); short protein forms I98K.
Identifiers: ClinVar variation 2858600 (VCV002858600.3), dbSNP rs2495208421, ClinGen allele CA380865454.